The following is an entry in ClinVar:

ClinVar aggregate classification (germline): Benign. Review status: reviewed by expert panel (3 of 4 stars). 21 submissions from 18 submitters: Benign (1). 20 of the submissions do not count toward it. Last evaluated 2024-08-07.

Conditions:
Central core myopathy (CMYO1A). Also called: CONGENITAL MYOPATHY 1A, AUTOSOMAL DOMINANT, WITH SUSCEPTIBILITY TO MALIGNANT HYPERTHERMIA; Central core disease; Myopathy, central fibrillar. Identifiers: Orphanet 597, MedGen C5830701, MONDO:0007294, OMIM 117000.
Malignant hyperthermia, susceptibility to, 1 (MHS1). Also called: Malignant hyperthermia suceptibility 1; Anesthesia related hyperthermia; Malignant hyperpyrexia; Fulminating hyperpyrexia; Pharmacogenic myopathy; RYR1-Related Malignant Hyperthermia Susceptibility. Identifiers: Orphanet 423, MedGen C2930980, MONDO:0007783, OMIM 145600.
Congenital multicore myopathy with external ophthalmoplegia (CMYO1B). Also called: MULTIMINICORE DISEASE WITH EXTERNAL OPHTHALMOPLEGIA; MULTICORE MYOPATHY; Minicore myopathy with external ophthalmoplegia; Congenital myopathy 1B, autosomal recessive; Minicore myopathy. Identifiers: Orphanet 598, Orphanet 98905, MedGen C1850674, MONDO:0009712, OMIM 255320, HP:0003789.
King Denborough syndrome (KDS). Identifiers: MedGen C1840365, MONDO:0020485, OMIM 619542.
Congenital myopathy with fiber type disproportion. Also called: Congenital fiber-type disproportion myopathy; Congenital fiber-type disproportion. Identifiers: Orphanet 2020, MedGen C0546264, MONDO:0009711. Inheritance: all.
RYR1-related myopathy. Identifiers: Orphanet 98742, MedGen CN305348, MONDO:0100150.
RYR1-related disorder. Also called: RYR1-related condition; RYR1-related disorders. Identifiers: MedGen CN239331.

Allele frequency attached by ClinVar (database versions not stated): gnomAD exomes 0.28102 and 0.32516; ESP Exome Variant Server 0.31362; gnomAD 0.32548 and 0.33010; ExAC 0.32646; TOPMed 0.33595; 1000 Genomes Project 30x 0.40459; 1000 Genomes Project 0.40815.
gnomAD v4.1: 461,889 of 1,613,406 alleles (29%); highest among the groups gnomAD compares: South Asian, 45%; 69,952 homozygotes.

Submissions (21):

ClinGen Congenital Myopathies Variant Curation Expert Panel, ClinGen
Classification: Benign for RYR1-related myopathy. Last evaluated: 2024-08-07. Review status: reviewed by expert panel. Criteria: ClinGen CongenMyopathy ACMG Specifications RYR1 AR V1.0.0. Collection method: curation. Allele origin: germline. Inheritance: Autosomal unknown.
Comment: The c.8589T>C (p.Ser2863=) variant is a synonymous (silent) variant that is not predicted by SpliceAI to impact splicing. In addition, it occurs at a nucleotide that is not conserved as shown by UCSC Genome Browser (BP4, BP7). The filtering allele frequency (the lower threshold of the 95% CI of 40732/91032, 9442 homozygotes) of the c.8589T>C variant in RYR1 is 0.4430 for South Asian chromosomes by gnomAD v4.1, which is higher than the ClinGen Congenital Myopathies VCEP threshold (≥0.00697) for BA1, and therefore meets this criterion (BA1). In summary, this variant meets the criteria to be classified as benign for RYR1-related myopathy based on the ACMG/AMP criteria applied, as specified by the ClinGen Congenital Myopathies VCEP: BA1, BP4, BP7. (Congenital Myopathies VCEP specifications version 1; 8/7/2024)

Labcorp Genetics (formerly Invitae), Labcorp
Classification: Benign for RYR1-related disorder. Last evaluated: 2026-02-04. Review status: criteria provided, single submitter. Criteria: Invitae Variant Classification Sherloc (09022015). Collection method: clinical testing. Allele origin: germline. Not counted in ClinVar's aggregate classification.

Blueprint Genetics
Classification: Benign. Last evaluated: 2024-11-28. Review status: criteria provided, single submitter. Criteria: ACMG Guidelines, 2015. Collection method: clinical testing. Allele origin: germline. Not counted in ClinVar's aggregate classification.

Genome-Nilou Lab
Classification: Benign for Central core myopathy. Last evaluated: 2021-11-07. Review status: criteria provided, single submitter. Criteria: ACMG Guidelines, 2015. Collection method: clinical testing. Allele origin: germline. Affected: no. Not counted in ClinVar's aggregate classification.

Genome-Nilou Lab
Classification: Benign for King Denborough syndrome. Last evaluated: 2021-11-07. Review status: criteria provided, single submitter. Criteria: ACMG Guidelines, 2015. Collection method: clinical testing. Allele origin: germline. Affected: no. Not counted in ClinVar's aggregate classification.

Genome-Nilou Lab
Classification: Benign for Congenital multicore myopathy with external ophthalmoplegia. Last evaluated: 2021-11-07. Review status: criteria provided, single submitter. Criteria: ACMG Guidelines, 2015. Collection method: clinical testing. Allele origin: germline. Affected: no. Not counted in ClinVar's aggregate classification.

Fulgent Genetics
Classification: Benign for Central core myopathy; Malignant hyperthermia, susceptibility to, 1; Congenital myopathy 4A, autosomal dominant; Congenital multicore myopathy with external ophthalmoplegia; King Denborough syndrome. Last evaluated: 2021-10-08. Review status: criteria provided, single submitter. Criteria: ACMG Guidelines, 2015. Collection method: clinical testing. Allele origin: unknown. Not counted in ClinVar's aggregate classification.

Color Diagnostics, LLC DBA Color Health
Classification: Benign for Malignant hyperthermia, susceptibility to, 1. Last evaluated: 2019-03-29. Review status: criteria provided, single submitter. Criteria: ACMG Guidelines, 2015. Collection method: clinical testing. Allele origin: germline. Not counted in ClinVar's aggregate classification.

PreventionGenetics, part of Exact Sciences
Classification: Benign. Last evaluated: 2018-04-03. Review status: criteria provided, single submitter. Criteria: ACMG Guidelines, 2015. Collection method: clinical testing. Allele origin: germline. Not counted in ClinVar's aggregate classification.

Illumina Laboratory Services, Illumina
Classification: Benign for Malignant hyperthermia, susceptibility to, 1. Last evaluated: 2018-01-13. Review status: criteria provided, single submitter. Criteria: ICSL Variant Classification Criteria 13 December 2019. Collection method: clinical testing. Allele origin: germline. Not counted in ClinVar's aggregate classification.
Comment: This variant was observed in the ICSL laboratory as part of a predisposition screen in an ostensibly healthy population. It had not been previously curated by ICSL or reported in the Human Gene Mutation Database (HGMD: prior to June 1st, 2018), and was therefore a candidate for classification through an automated scoring system. Utilizing variant allele frequency, disease prevalence and penetrance estimates, and inheritance mode, an automated score was calculated to assess if this variant is too frequent to cause the disease. Based on the score and internal cut-off values, a variant classified as benign is not then subjected to further curation. The score for this variant resulted in a classification of benign for this disease.

Illumina Laboratory Services, Illumina
Classification: Benign for Congenital multicore myopathy with external ophthalmoplegia. Last evaluated: 2018-01-13. Review status: criteria provided, single submitter. Criteria: ICSL Variant Classification Criteria 13 December 2019. Collection method: clinical testing. Allele origin: germline. Not counted in ClinVar's aggregate classification.
Comment: the same text as in the submission from Illumina Laboratory Services, Illumina above.

Mayo Clinic Laboratories, Mayo Clinic
Classification: Benign. Last evaluated: 2017-07-19. Review status: criteria provided, single submitter. Criteria: ACMG Guidelines, 2015. Collection method: clinical testing. Allele origin: germline. Observed: 408 variant alleles. Not counted in ClinVar's aggregate classification.

GeneDx
Classification: Benign. Last evaluated: 2016-01-25. Review status: criteria provided, single submitter. Criteria: GeneDx Variant Classification (06012015). Collection method: clinical testing. Allele origin: germline. Affected: yes. Not counted in ClinVar's aggregate classification.
Comment: This variant is considered likely benign or benign based on one or more of the following criteria: it is a conservative change, it occurs at a poorly conserved position in the protein, it is predicted to be benign by multiple in silico algorithms, and/or has population frequency not consistent with disease.

Laboratory for Molecular Medicine, Mass General Brigham Personalized Medicine
Classification: Benign. Last evaluated: 2015-01-13. Review status: criteria provided, single submitter. Criteria: LMM Criteria. Collection method: clinical testing. Allele origin: germline. Observed: 4 variant alleles. Not counted in ClinVar's aggregate classification.
Comment: p.Ser2863Ser in exon 55 of RYR1: This variant is not expected to have clinical s ignificance because it does not alter an amino acid residue and is not located w ithin the splice consensus sequence. It has been identified in 43.0% (1893/4406) of African American chromosomes from a broad population by the NHLBI Exome Sequ encing Project (dbSNP rs2229146).

Eurofins Ntd Llc (ga)
Classification: Benign. Last evaluated: 2014-06-06. Review status: criteria provided, single submitter. Criteria: EGL Classification Definitions 2015. Collection method: clinical testing. Allele origin: germline. Observed: 30 variant alleles, 27 heterozygotes, 3 homozygotes. Not counted in ClinVar's aggregate classification.

Genetic Services Laboratory, University of Chicago
Classification: Benign. Last evaluated: 2013-08-15. Review status: criteria provided, single submitter. Criteria: ACMG Guidelines, 2007. Collection method: clinical testing. Allele origin: germline. Inheritance: Autosomal unknown. Not counted in ClinVar's aggregate classification.

Breakthrough Genomics
Classification: Benign. Review status: criteria provided, single submitter. Criteria: ACMG Guidelines, 2015. Collection method: not provided. Allele origin: germline. Inheritance: Autosomal recessive inheritance. Affected: yes. Not counted in ClinVar's aggregate classification.

Clinical Genetics, Academic Medical Center
Classification: Benign. Review status: no assertion criteria provided. Collection method: clinical testing. Allele origin: germline. Affected: yes. Study: VKGL Data-share Consensus. Not counted in ClinVar's aggregate classification.

Department of Pathology and Laboratory Medicine, Sinai Health System
Classification: Uncertain significance. Review status: no assertion criteria provided. Collection method: clinical testing. Allele origin: unknown. Affected: yes. Study: The Canadian Open Genetics Repository (COGR). Not counted in ClinVar's aggregate classification.
Comment: Allele frequency is common in at least one population database (frequency: 45.825% in gnomAD_Exomes) based on the frequency threshold of 2.223% for this gene. Variant was observed in a homozygous state in population databases more than expected for disease. 9 reputable source/s reports the variant as benign, but the evidence is not available to the laboratory to perform an independent evaluation. A synonymous variant not located in a splice region.

Joint Genome Diagnostic Labs from Nijmegen and Maastricht, Radboudumc and MUMC+
Classification: Benign. Review status: no assertion criteria provided. Collection method: clinical testing. Allele origin: germline. Affected: yes. Study: VKGL Data-share Consensus. Not counted in ClinVar's aggregate classification.

RYR1 database
No classification provided. Review status: no classification provided. Collection method: not provided. Allele origin: unknown. Not counted in ClinVar's aggregate classification.

NM_000540.3(RYR1):c.8589T>C (p.Ser2863=)

Genes: RYR1 (ryanodine receptor 1; plus strand), LOC126862902 (BRD4-independent group 4 enhancer GRCh37_chr19:38995830-38997029; plus strand). Cytogenetic location: 19q13.2.
Variant type: single nucleotide variant.
Coding change: c.8589T>C on transcript NM_000540.3 (MANE Select); coding-DNA position 8589, T replaced by C.
Protein change: p.Ser2863=; no amino-acid change (serine 2863 retained).
Molecular consequence: synonymous variant.
Genome position (GRCh38, 1-based): chr19:38,506,350, T>C. VCF-style: chr19-38506350-T-C. GRCh37 (hg19) VCF-style: chr19-38996990-T-C.
Other names: NM_000540.3(RYR1):c.8589T>C; p.Ser2863=; c.8589T>C, p.Ser2863= (NM_001042723.2).
Identifiers: ClinVar variation 93300 (VCV000093300.38), dbSNP rs2229146, ClinGen allele CA024932.